The following is an entry in ClinVar:

ClinVar aggregate classification (germline): Conflicting classifications of pathogenicity. Review status: criteria provided, conflicting classifications (1 of 4 stars). 2 submissions from 2 submitters: Uncertain significance (1); Likely benign (1). Last evaluated 2025-11-09.

Allele frequency attached by ClinVar (database versions not stated): gnomAD 0.00001; TOPMed 0.00001; gnomAD exomes 0.00006; ExAC 0.00021.
gnomAD v4.1: 49 of 1,613,746 alleles (0.003%); highest among the groups gnomAD compares: Non-Finnish European, 0.0025%; no homozygotes.

Submissions (2):

GeneDx
Classification: Uncertain significance. Last evaluated: 2025-11-09. Review status: criteria provided, single submitter. Criteria: GeneDx Variant Classification Process June 2021. Collection method: clinical testing. Allele origin: germline. Affected: yes.
Comment: In silico analysis suggests that this missense variant does not alter protein structure/function; Has not been previously published as pathogenic or benign to our knowledge

Labcorp Genetics (formerly Invitae), Labcorp
Classification: Likely benign. Last evaluated: 2022-11-24. Review status: criteria provided, single submitter. Criteria: Invitae Variant Classification Sherloc (09022015). Collection method: clinical testing. Allele origin: germline.

NM_032119.4(ADGRV1):c.18092T>C (p.Ile6031Thr)

Gene: ADGRV1 (adhesion G protein-coupled receptor V1; plus strand). Cytogenetic location: 5q14.3.
Variant type: single nucleotide variant.
Coding change: c.18092T>C on transcript NM_032119.4 (MANE Select); coding-DNA position 18092, T replaced by C.
Protein change: p.Ile6031Thr; replaces isoleucine 6031 with threonine.
Molecular consequence: missense variant. On other transcripts: non-coding transcript variant (1).
Genome position (GRCh38, 1-based): chr5:90,985,462, T>C. VCF-style: chr5-90985462-T-C. GRCh37 (hg19) VCF-style: chr5-90281279-T-C.
Other names: short protein forms I6031T.
Identifiers: ClinVar variation 1711912 (VCV001711912.6), dbSNP rs760388849, ClinGen allele CA3342555.
Genomic context (GRCh38, chr5:90,985,462, plus strand): 5'-TGCTGTTTTTCCTTCTGAGTTGGGGACTACCAGCTTTTGTGGTGATTCTCCTCATAGTTA[T>C]TTTGAAAGGAATCTATCATCAGAGCATGTCACAGATCTATGGACTCATTCATGGTGACCT-3'
Protein context (NP_115495.3, residues 6021-6041): PAFVVILLIV[Ile6031Thr]LKGIYHQSMS